The following is an entry in ClinVar:

NC_000022.11:g.40346385C>A

Gene: ADSL (adenylosuccinate lyase; plus strand). Cytogenetic location: 22q13.1.
Variant type: single nucleotide variant.
Genome position: GRCh38 VCF-style: chr22-40346385-C-A. GRCh37 (hg19) VCF-style: chr22-40742389-C-A.
Identifiers: ClinVar variation 2124837 (VCV002124837.5), dbSNP rs2518076504, ClinGen allele CA2580099854.

ClinVar aggregate classification (germline): Uncertain significance (1 of 4 stars; one submission).

Conditions:
Adenylosuccinate lyase deficiency (ADSLD). Also called: ADSL DEFICIENCY. Identifiers: Orphanet 46, MedGen C0268126, MONDO:0007068, OMIM 103050.

Allele frequency attached by ClinVar (database versions not stated): gnomAD exomes below 0.00001.

Submission:

Labcorp Genetics (formerly Invitae), Labcorp
Classification: Uncertain significance for Adenylosuccinate lyase deficiency. Last evaluated: 2022-04-11. Review status: criteria provided, single submitter. Criteria: Invitae Variant Classification Sherloc (09022015). Collection method: clinical testing. Allele origin: germline.
Comment: In summary, the available evidence is currently insufficient to determine the role of this variant in disease. Therefore, it has been classified as a Variant of Uncertain Significance. Experimental studies and prediction algorithms are not available or were not evaluated, and the functional significance of this variant is currently unknown. This variant has not been reported in the literature in individuals affected with ADSL-related conditions. This variant is not present in population databases (gnomAD no frequency). This variant occurs in a non-coding region of the ADSL gene. It does not change the encoded amino acid sequence of the ADSL protein.